The following is an entry in ClinVar:

ClinVar aggregate classification (germline): Uncertain significance (1 of 4 stars; one submission).

Conditions:
Hereditary breast ovarian cancer syndrome. Also called: Hereditary breast and ovarian cancer syndrome; Breast and ovarian cancer; BRCA1- and BRCA2-Associated Hereditary Breast and Ovarian Cancer; Hereditary breast and ovarian cancer; Hereditary breast and/or ovarian cancer syndrome; Hereditary breast and ovarian cancer syndrome (HBOC). Identifiers: Orphanet 145, MedGen C0677776, MeSH D061325, MONDO:0003582. Disease mechanism: loss of function.

Submission:

Labcorp Genetics (formerly Invitae), Labcorp
Classification: Uncertain significance for Hereditary breast ovarian cancer syndrome. Last evaluated: 2022-02-08. Review status: criteria provided, single submitter. Criteria: Invitae Variant Classification Sherloc (09022015). Collection method: clinical testing. Allele origin: germline.
Comment: This variant is a gross deletion of the genomic region encompassing exon(s) 12 of the BRCA2 gene. This variant would be expected to be in-frame, preserving the integrity of the reading frame. A similar copy number variant has been observed in individual(s) with ovarian cancer (PMID: 30555256). Algorithms developed to predict the effect of variants on protein structure and function are not available or were not evaluated for this variant. Experimental studies have shown that a similar copy number variant does not substantially affect BRCA2 function (PMID: 19795481). In summary, the available evidence is currently insufficient to determine the role of this variant in disease. Therefore, it has been classified as a Variant of Uncertain Significance.

Literature cited by the submitters: PubMed 30555256; PubMed 19795481.

NC_000013.11:g.(?_32344538)_(32344673_?)del

Gene: BRCA2 (BRCA2 DNA repair associated; plus strand). Cytogenetic location: 13q13.1.
Variant type: Deletion.
Identifiers: ClinVar variation 833398 (VCV000833398.2).